The following is an entry in ClinVar:

NM_000051.4(ATM):c.8376del (p.Arg2792fs)

Genes: ATM (ATM serine/threonine kinase; plus strand), C11orf65 (chromosome 11 open reading frame 65; minus strand). Cytogenetic location: 11q22.3.
Variant type: Deletion.
Coding change: c.8376del on transcript NM_000051.4 (MANE Select); coding-DNA position 8376, one base deleted (G; older notation c.8376delG).
Protein change: p.Arg2792fs; shifts the reading frame from arginine 2792.
Molecular consequence: frameshift variant. On other transcripts: intron variant (2).
Genome position (GRCh38, 1-based): chr11:108,343,329, G deleted; the last of 2 consecutive G bases (chr11:108,343,328-108,343,329); deleting either gives the same sequence. VCF-style (leftmost placement, unchanged base first): chr11-108343327-AG-A. GRCh37 (hg19) VCF-style: chr11-108214054-AG-A.
Other names: c.8376del, p.Arg2792fs (NM_001351834.2); c.641-34257del (NM_001330368.2); c.695-8036del (NM_001351110.2); short protein forms R2792fs.
Identifiers: ClinVar variation 2453972 (VCV002453972.3), dbSNP rs2547418538, ClinGen allele CA2580083391.

ClinVar aggregate classification (germline): Pathogenic/Likely pathogenic. Review status: criteria provided, multiple submitters, no conflicts (2 of 4 stars). 3 submissions from 3 submitters: Pathogenic (2); Likely pathogenic (1). Last evaluated 2024-02-02.

Conditions:
Familial cancer of breast. Also called: Hereditary breast cancer; BREAST CANCER, FAMILIAL; hereditary breast carcinoma. Identifiers: Orphanet 227535, MedGen C0346153, MONDO:0016419, OMIM 114480. Disease mechanism: loss of function.
Hereditary cancer-predisposing syndrome. Also called: Tumor predisposition; Hereditary Cancer Syndrome; Hereditary neoplastic syndrome; Neoplastic Syndromes, Hereditary. Identifiers: Orphanet 140162, MedGen C0027672, MeSH D009386, MONDO:0015356.

Submissions (3):

Myriad Genetics, Inc.
Classification: Pathogenic for Familial cancer of breast. Last evaluated: 2024-02-02. Review status: criteria provided, single submitter. Criteria: Myriad Autosomal Dominant, Autosomal Recessive and X-Linked Classification Criteria (2023). Collection method: clinical testing. Allele origin: unknown.
Comment: This variant is considered pathogenic. This variant creates a frameshift predicted to result in premature protein truncation.

Ambry Genetics
Classification: Pathogenic for Hereditary cancer-predisposing syndrome. Last evaluated: 2023-02-15. Review status: criteria provided, single submitter. Criteria: Ambry Variant Classification Scheme 2023. Collection method: clinical testing. Allele origin: germline.
Comment: The c.8376delG pathogenic mutation, located in coding exon 56 of the ATM gene, results from a deletion of one nucleotide at nucleotide position 8376, causing a translational frameshift with a predicted alternate stop codon (p.R2792Sfs*14). This alteration is expected to result in loss of function by premature protein truncation or nonsense-mediated mRNA decay. As such, this alteration is interpreted as a disease-causing mutation.

Baylor Genetics
Classification: Likely pathogenic for Familial cancer of breast. Last evaluated: 2022-09-09. Review status: criteria provided, single submitter. Criteria: ACMG Guidelines, 2015. Collection method: clinical testing. Allele origin: unknown.